The following is an entry in ClinVar:

ClinVar aggregate classification (germline): Uncertain significance. Review status: criteria provided, multiple submitters, no conflicts (2 of 4 stars). 2 submissions from 2 submitters: Uncertain significance (2). Last evaluated 2026-01-24.

Conditions:
Autoinflammatory syndrome, familial, Behcet-like 1 (AIFBL1). Also called: Haploinsufficiency of A20. Identifiers: Orphanet 674762, MedGen C4225218, MONDO:0800045, OMIM 616744.

Allele frequency attached by ClinVar (database versions not stated): gnomAD 0.00001; gnomAD exomes 0.00001; TOPMed 0.00002.
gnomAD v4.1: 17 of 1,613,966 alleles (0.0011%); highest among the groups gnomAD compares: East Asian, 0.0022%; no homozygotes.

Submissions (2):

Labcorp Genetics (formerly Invitae), Labcorp
Classification: Uncertain significance. Last evaluated: 2026-01-24. Review status: criteria provided, single submitter. Criteria: Invitae Variant Classification Sherloc (09022015). Collection method: clinical testing. Allele origin: germline.
Comment: This sequence change replaces arginine, which is basic and polar, with glutamine, which is neutral and polar, at codon 569 of the TNFAIP3 protein (p.Arg569Gln). This variant is present in population databases (no rsID available, gnomAD 0.002%). This variant has not been reported in the literature in individuals affected with TNFAIP3-related conditions. ClinVar contains an entry for this variant (Variation ID: 1494881). Invitae Evidence Modeling of protein sequence and biophysical properties (such as structural, functional, and spatial information, amino acid conservation, physicochemical variation, residue mobility, and thermodynamic stability) indicates that this missense variant is not expected to disrupt TNFAIP3 protein function with a negative predictive value of 80%. In summary, the available evidence is currently insufficient to determine the role of this variant in disease. Therefore, it has been classified as a Variant of Uncertain Significance.

Fulgent Genetics
Classification: Uncertain significance for Autoinflammatory syndrome, familial, Behcet-like 1. Last evaluated: 2024-06-04. Review status: criteria provided, single submitter. Criteria: ACMG Guidelines, 2015. Collection method: clinical testing. Allele origin: germline.

NM_001270508.2(TNFAIP3):c.1706G>A (p.Arg569Gln)

Gene: TNFAIP3 (TNF alpha induced protein 3; plus strand). Cytogenetic location: 6q23.3.
Variant type: single nucleotide variant.
Coding change: c.1706G>A on transcript NM_001270508.2 (MANE Select); coding-DNA position 1706, G replaced by A.
Protein change: p.Arg569Gln; replaces arginine 569 with glutamine.
Molecular consequence: missense variant.
Genome position (GRCh38, 1-based): chr6:137,879,151, G>A. VCF-style: chr6-137879151-G-A. GRCh37 (hg19) VCF-style: chr6-138200288-G-A.
Other names: c.1706G>A, p.Arg569Gln (NM_001270507.2, NM_006290.4); short protein forms R569Q.
Identifiers: ClinVar variation 1494881 (VCV001494881.9), dbSNP rs1467566767, ClinGen allele CA365793308.